The following is an entry in ClinVar:

ClinVar aggregate classification (germline): Pathogenic/Likely pathogenic. Review status: criteria provided, multiple submitters, no conflicts (2 of 4 stars). 2 submissions from 2 submitters: Pathogenic (1); Likely pathogenic (1). Last evaluated 2025-06-20.

Conditions:
Mucopolysaccharidosis, MPS-IV-B (MPS4B). Also called: Mucopolysaccharidosis type IV B; Mucopolysaccharidosis Type IVB (Morquio B Disease); MORQUIO SYNDROME B; Mucopolysaccharidosis type 4B; Mucopolysaccharidosis Type IVB; Mucopolysaccharidosis type IVB (Morquio). Identifiers: Orphanet 309310, Orphanet 582, MedGen C0086652, MONDO:0009660, OMIM 253010.
GM1 gangliosidosis. Identifiers: Orphanet 354, MedGen C0085131, MONDO:0018149.

Allele frequency attached by ClinVar (database versions not stated): gnomAD 0.00001; TOPMed 0.00003; ESP Exome Variant Server 0.00008.
gnomAD v4.1: 2 of 1,614,060 alleles (0.00012%); highest among the groups gnomAD compares: African/African-American, 0.0027%; no homozygotes.

Submissions (2):

Women's Health and Genetics/Laboratory Corporation of America, LabCorp
Classification: Likely pathogenic for Mucopolysaccharidosis, MPS-IV-B. Last evaluated: 2025-06-20. Review status: criteria provided, single submitter. Criteria: LabCorp Variant Classification Summary - May 2015. Collection method: clinical testing. Allele origin: germline.
Comment: Variant summary: GLB1 c.785G>C (p.Gly262Ala) results in a non-conservative amino acid change located in the Glycoside hydrolase 35, catalytic domain (IPR031330) of the encoded protein sequence. Algorithms developed to predict the effect of missense changes on protein structure and function all suggest that this variant is likely to be disruptive. The variant allele was found at a frequency of 8e-06 in 249528 control chromosomes. c.785G>C has been reported in the literature in at-least one individual affected with an infantile form of Mucopolysaccharidosis Type IVB (Morquio Syndrome B) (example, Mytsyk_2016, internal data). These data indicate that the variant may be associated with disease. A different variant affecting the same codon has been classified as likely pathogenic by our lab (c.785G>A, p.Gly262Glu), supporting the critical relevance of codon 262 to GLB1 protein function. To our knowledge, no experimental evidence demonstrating an impact on protein function has been reported. ClinVar contains an entry for this variant (Variation ID: 933199). Based on the evidence outlined above, the variant was classified as likely pathogenic.

Labcorp Genetics (formerly Invitae), Labcorp
Classification: Pathogenic for Mucopolysaccharidosis, MPS-IV-B; GM1 gangliosidosis. Last evaluated: 2024-03-11. Review status: criteria provided, single submitter. Criteria: Invitae Variant Classification Sherloc (09022015). Collection method: clinical testing. Allele origin: germline.
Comment: This sequence change replaces glycine, which is neutral and non-polar, with alanine, which is neutral and non-polar, at codon 262 of the GLB1 protein (p.Gly262Ala). This variant is present in population databases (rs377174858, gnomAD 0.01%). This missense change has been observed in individual(s) with clinical features of GM1-gangliosidosis (external communication). ClinVar contains an entry for this variant (Variation ID: 933199). Advanced modeling of protein sequence and biophysical properties (such as structural, functional, and spatial information, amino acid conservation, physicochemical variation, residue mobility, and thermodynamic stability) performed at Invitae indicates that this missense variant is expected to disrupt GLB1 protein function with a positive predictive value of 95%. This variant disrupts the p.Gly262 amino acid residue in GLB1. Other variant(s) that disrupt this residue have been determined to be pathogenic (PMID: 25936995). This suggests that this residue is clinically significant, and that variants that disrupt this residue are likely to be disease-causing. For these reasons, this variant has been classified as Pathogenic.

Literature cited by the submitters: PubMed 25936995 (cited by Labcorp Genetics (formerly Invitae), Labcorp).

NM_000404.4(GLB1):c.785G>C (p.Gly262Ala)

Gene: GLB1 (galactosidase beta 1; minus strand). Cytogenetic location: 3p22.3.
Variant type: single nucleotide variant.
Coding change: c.785G>C on transcript NM_000404.4 (MANE Select); coding-DNA position 785, G replaced by C.
Protein change: p.Gly262Ala; replaces glycine 262 with alanine.
Molecular consequence: missense variant.
Genome position (GRCh38, 1-based): chr3:33,053,498, C>G on the plus strand (G>C on the coding strand, the complement: GLB1 is on the minus strand). VCF-style: chr3-33053498-C-G. GRCh37 (hg19) VCF-style: chr3-33094990-C-G.
Other names: c.695G>C, p.Gly232Ala (NM_001079811.3); c.392G>C, p.Gly131Ala (NM_001135602.3); c.929G>C, p.Gly310Ala (NM_001317040.2); c.785G>C, p.Gly262Ala (NM_001393580.1); short protein forms G131A, G310A, G232A, G262A.
Identifiers: ClinVar variation 933199 (VCV000933199.5), dbSNP rs377174858, ClinGen allele CA2299601.